The following is an entry in ClinVar:

NM_001113491.2(SEPTIN9):c.1573+9C>T

Gene: SEPTIN9 (septin 9; plus strand). Cytogenetic location: 17q25.3.
Variant type: single nucleotide variant.
Coding change: c.1573+9C>T on transcript NM_001113491.2 (MANE Select); 9 bases into the intron after coding-DNA position 1573, C replaced by T.
Molecular consequence: intron variant.
Genome position (GRCh38, 1-based): chr17:77,493,085, C>T. VCF-style: chr17-77493085-C-T. GRCh37 (hg19) VCF-style: chr17-75489167-C-T.
Other names: p.?; c.1516+9C>T (NM_001293695.2); c.1081+9C>T (NM_001113492.2, NM_001113494.1); c.1519+9C>T (NM_006640.5); c.1552+9C>T (NM_001113493.2); c.901+9C>T (NM_001293696.2); c.820+9C>T (NM_001113496.2, NM_001293697.2, NM_001293698.2 and 1 more transcripts); c.1573+9C>T (NM_001113491.1).
Identifiers: ClinVar variation 325564 (VCV000325564.20), dbSNP rs148975193, ClinGen allele CA8793839.
Genomic context (GRCh38, chr17:77,493,085, plus strand): 5'-GTCAACGGCAAGAGGATCCTTGGGAGGAAGACCAAGTGGGGTACCATCGAAGGTACTCGC[C>T]GCAGGCGCCGGGGCTCCAGACAGATGGGAAGACAGTCTCTTCTGCTGACCCAGAGCCTGT-3'

ClinVar aggregate classification (germline): Benign. Review status: criteria provided, multiple submitters, no conflicts (2 of 4 stars). 10 submissions from 10 submitters: Benign (8). 2 of the submissions do not count toward it. Last evaluated 2026-02-03.

Conditions:
Amyotrophic neuralgia (HNA). Also called: AMYOTROPHY, HEREDITARY NEURALGIC, WITH PREDILECTION FOR BRACHIAL PLEXUS; AMYOTROPHY, HEREDITARY NEURALGIC; Hereditary Brachial Plexus Neuropathy; Neuritis with Brachial Predilection. Identifiers: Orphanet 2901, MedGen C1834304, MONDO:0008076, OMIM 162100.
SEPTIN9-related disorder. Also called: SEPTIN9-related condition.

Allele frequency attached by ClinVar (database versions not stated): 1000 Genomes Project 0.00479; 1000 Genomes Project 30x 0.00515; gnomAD 0.00515 and 0.00531; TOPMed 0.00525; ESP Exome Variant Server 0.00579; gnomAD exomes 0.00582; ExAC 0.00765.
gnomAD v4.1: 11,398 of 1,548,234 alleles (0.74%); highest among the groups gnomAD compares: South Asian, 0.88%; 49 homozygotes.

Submissions (10):

Labcorp Genetics (formerly Invitae), Labcorp
Classification: Benign. Last evaluated: 2026-02-03. Review status: criteria provided, single submitter. Criteria: Invitae Variant Classification Sherloc (09022015). Collection method: clinical testing. Allele origin: germline.

PreventionGenetics, part of Exact Sciences
Classification: Benign for SEPTIN9-related condition. Last evaluated: 2025-09-18. Review status: criteria provided, single submitter. Criteria: ACMG Guidelines, 2015. Collection method: clinical testing. Allele origin: germline.
Comment: This variant is classified as benign based on ACMG/AMP sequence variant interpretation guidelines (Richards et al. 2015 PMID: 25741868, with internal and published modifications).

Athena Diagnostics
Classification: Benign. Last evaluated: 2024-09-30. Review status: criteria provided, single submitter. Criteria: Athena Diagnostics Criteria. Collection method: clinical testing. Allele origin: unknown.

Genome-Nilou Lab
Classification: Benign for Amyotrophic neuralgia. Last evaluated: 2021-12-05. Review status: criteria provided, single submitter. Criteria: ACMG Guidelines, 2015. Collection method: clinical testing. Allele origin: germline. Affected: no.

Mayo Clinic Laboratories, Mayo Clinic
Classification: Benign. Last evaluated: 2020-07-09. Review status: criteria provided, single submitter. Criteria: ACMG Guidelines, 2015. Collection method: clinical testing. Allele origin: germline. Observed: 5 variant alleles.

GeneDx
Classification: Benign. Last evaluated: 2020-06-16. Review status: criteria provided, single submitter. Criteria: GeneDx Variant Classification Process June 2021. Collection method: clinical testing. Allele origin: germline. Affected: yes.

Illumina Laboratory Services, Illumina
Classification: Benign for Amyotrophy, hereditary neuralgic. Last evaluated: 2018-01-12. Review status: criteria provided, single submitter. Criteria: ICSL Variant Classification Criteria 13 December 2019. Collection method: clinical testing. Allele origin: germline.
Comment: This variant was observed in the ICSL laboratory as part of a predisposition screen in an ostensibly healthy population. It had not been previously curated by ICSL or reported in the Human Gene Mutation Database (HGMD: prior to June 1st, 2018), and was therefore a candidate for classification through an automated scoring system. Utilizing variant allele frequency, disease prevalence and penetrance estimates, and inheritance mode, an automated score was calculated to assess if this variant is too frequent to cause the disease. Based on the score and internal cut-off values, a variant classified as benign is not then subjected to further curation. The score for this variant resulted in a classification of benign for this disease.

Breakthrough Genomics
Classification: Benign. Review status: criteria provided, single submitter. Criteria: ACMG Guidelines, 2015. Collection method: not provided. Allele origin: germline. Inheritance: Autosomal dominant inheritance. Affected: yes.

Clinical Genetics, Academic Medical Center
Classification: Benign. Review status: no assertion criteria provided. Collection method: clinical testing. Allele origin: germline. Affected: yes. Study: VKGL Data-share Consensus. Not counted in ClinVar's aggregate classification.

Genome Diagnostics Laboratory, University Medical Center Utrecht
Classification: Likely benign. Review status: no assertion criteria provided. Collection method: clinical testing. Allele origin: germline. Affected: yes. Study: VKGL Data-share Consensus. Not counted in ClinVar's aggregate classification.